The following is an entry in ClinVar:

NM_152542.5(PPM1K):c.580C>T (p.Leu194=)

Gene: PPM1K (protein phosphatase, Mg2+/Mn2+ dependent 1K; minus strand). Cytogenetic location: 4q22.1.
Variant type: single nucleotide variant.
Coding change: c.580C>T on transcript NM_152542.5 (MANE Select); coding-DNA position 580, C replaced by T.
Protein change: p.Leu194=; no amino-acid change (leucine 194 retained).
Molecular consequence: synonymous variant.
Genome position (GRCh38, 1-based): chr4:88,268,868, G>A on the plus strand (C>T on the coding strand, the complement: PPM1K is on the minus strand). VCF-style: chr4-88268868-G-A. GRCh37 (hg19) VCF-style: chr4-89190020-G-A.
Identifiers: ClinVar variation 3034408 (VCV003034408.2), dbSNP rs1259922261, ClinGen allele CA440290031.

ClinVar aggregate classification (germline): Likely benign (0 of 4 stars; one submission).

Conditions:
PPM1K-related disorder. Also called: PPM1K-related condition.

Allele frequency attached by ClinVar (database versions not stated): gnomAD exomes below 0.00001; gnomAD 0.00001; TOPMed 0.00001.
gnomAD v4.1: 4 of 1,613,652 alleles (0.00025%); highest among the groups gnomAD compares: African/African-American, 0.0053%; no homozygotes.

Submission:

PreventionGenetics, part of Exact Sciences
Classification: Likely benign for PPM1K-related condition. Last evaluated: 2019-06-18. Review status: no assertion criteria provided. Collection method: clinical testing. Allele origin: germline.
Comment: This variant is classified as likely benign based on ACMG/AMP sequence variant interpretation guidelines (Richards et al. 2015 PMID: 25741868, with internal and published modifications).